The following is an entry in ClinVar:

ClinVar aggregate classification (germline): Conflicting classifications of pathogenicity. Review status: criteria provided, conflicting classifications (1 of 4 stars). 3 submissions from 3 submitters: Pathogenic (1); Likely pathogenic (1); Uncertain significance (1). Last evaluated 2025-09-20.

Conditions:
Hereditary hyperekplexia. Identifiers: Orphanet 3197, MedGen C4084968, MONDO:0021022.
Hyperekplexia 1 (STHE). Also called: HYPEREKPLEXIA 1, AUTOSOMAL RECESSIVE; HYPEREKPLEXIA 1, AUTOSOMAL DOMINANT; STARTLE DISEASE, FAMILIAL; STIFF-BABY SYNDROME; STIFF-MAN SYNDROME, CONGENITAL; STIFF-PERSON SYNDROME, CONGENITAL. Identifiers: Orphanet 3197, MedGen C4551954, MONDO:0007868, OMIM 149400.

Allele frequency attached by ClinVar (database versions not stated): gnomAD exomes 0.00001 and 0.00005; gnomAD 0.00002 and 0.00003; ExAC 0.00004; TOPMed 0.00005; ESP Exome Variant Server 0.00008.
gnomAD v4.1: 21 of 1,614,018 alleles (0.0013%); highest among the groups gnomAD compares: Middle Eastern, 0.017%; no homozygotes.

Submissions (3):

Labcorp Genetics (formerly Invitae), Labcorp
Classification: Pathogenic for Hereditary hyperekplexia. Last evaluated: 2025-09-20. Review status: criteria provided, single submitter. Criteria: Invitae Variant Classification Sherloc (09022015). Collection method: clinical testing. Allele origin: germline.
Comment: This sequence change creates a premature translational stop signal (p.Arg344*) in the GLRA1 gene. While this is not anticipated to result in nonsense mediated decay, it is expected to disrupt the last 106 amino acid(s) of the GLRA1 protein. This variant is present in population databases (rs281864913, gnomAD 0.06%). This premature translational stop signal has been observed in individual(s) with autosomal recessive hyperekplexia (PMID: 15365143). It has also been observed to segregate with disease in related individuals. ClinVar contains an entry for this variant (Variation ID: 242682). This variant disrupts the p.Arg420 amino acid residue in GLRA1. Other variant(s) that disrupt this residue have been determined to be pathogenic (PMID: 10514101, 12169101, 19732286, 20631190, 25036534). This suggests that this residue is clinically significant, and that variants that disrupt this residue are likely to be disease-causing. For these reasons, this variant has been classified as Pathogenic.

3billion
Classification: Likely pathogenic for Hyperekplexia 1. Last evaluated: 2023-08-08. Review status: criteria provided, single submitter. Criteria: ACMG Guidelines, 2015. Collection method: clinical testing. Allele origin: germline. Affected: yes.
Comment: The variant is observed at an extremely low frequency in the gnomAD v2.1.1 dataset (total allele frequency: 0.005%). Predicted Consequence/Location: Stop-gained (nonsense): predicted to result in a loss or disruption of normal protein function through protein truncation. The predicted truncated protein may be shortened by more than 10%. The variant has been reported to be associated with GLRA1-related disorder (ClinVar ID: VCV000242682 /PMID: 15365143). Therefore, this variant is classified as Likely pathogenic according to the recommendation of ACMG/AMP guideline.

GeneDx
Classification: Uncertain significance. Last evaluated: 2021-02-15. Review status: criteria provided, single submitter. Criteria: GeneDx Variant Classification Process June 2021. Collection method: clinical testing. Allele origin: germline. Affected: yes.
Comment: Identified in patients with hyperekplexia who harbored a second GLRA1 variant on the opposite allele (in trans) in published literature (Zhang et al., 2020; Tsai et al., 2004); Nonsense variant in the C-terminus predicted to result in protein truncation, as the last 106 amino acids are lost, and other loss-of-function variants have been reported downstream in the Human Gene Mutation Database (Stenson et al., 2014); This variant is associated with the following publications: (PMID: 25036534, 10514101, 20631190, 25525159, 19732286, 12169101, 15365143, 32332682, 17641268)

Literature cited by the submitters: PubMed 15365143 (cited by Labcorp Genetics (formerly Invitae), Labcorp and 3billion); PubMed 10514101 (cited by Labcorp Genetics (formerly Invitae), Labcorp); PubMed 12169101 (cited by Labcorp Genetics (formerly Invitae), Labcorp); PubMed 19732286 (cited by Labcorp Genetics (formerly Invitae), Labcorp); PubMed 20631190 (cited by Labcorp Genetics (formerly Invitae), Labcorp); PubMed 25036534 (cited by Labcorp Genetics (formerly Invitae), Labcorp).

NM_000171.4(GLRA1):c.1030C>T (p.Arg344Ter)

Gene: GLRA1 (glycine receptor alpha 1; minus strand). Cytogenetic location: 5q33.1.
Variant type: single nucleotide variant.
Coding change: c.1030C>T on transcript NM_000171.4 (MANE Select); coding-DNA position 1030, C replaced by T.
Protein change: p.Arg344Ter; replaces arginine 344 with a stop codon.
Molecular consequence: nonsense.
Genome position (GRCh38, 1-based): chr5:151,828,950, G>A on the plus strand (C>T on the coding strand, the complement: GLRA1 is on the minus strand). VCF-style: chr5-151828950-G-A. GRCh37 (hg19) VCF-style: chr5-151208511-G-A.
Other names: c.1030C>T, p.Arg344Ter (NM_001146040.2); c.781C>T, p.Arg261Ter (NM_001292000.2); short protein forms R344*, R261*.
Identifiers: ClinVar variation 242682 (VCV000242682.12), dbSNP rs281864913, ClinGen allele CA356531.